The following is an entry in ClinVar:

NM_003738.5(PTCH2):c.1189C>G (p.Arg397Gly)

Gene: PTCH2 (patched 2; minus strand). Cytogenetic location: 1p34.1.
Variant type: single nucleotide variant.
Coding change: c.1189C>G on transcript NM_003738.5 (MANE Select); coding-DNA position 1189, C replaced by G.
Protein change: p.Arg397Gly; replaces arginine 397 with glycine.
Molecular consequence: missense variant.
Genome position (GRCh38, 1-based): chr1:44,829,428, G>C on the plus strand (C>G on the coding strand, the complement: PTCH2 is on the minus strand). VCF-style: chr1-44829428-G-C. GRCh37 (hg19) VCF-style: chr1-45295100-G-C.
Other names: c.1189C>G, p.Arg397Gly (NM_001166292.2); short protein forms R397G.
Identifiers: ClinVar variation 3641818 (VCV003641818.2).
Genomic context (GRCh38, chr1:44,829,428, plus strand): 5'-GGGGTGGGGGCAAGGTGCCAGGTGCAAGACCCACCATGAGCAGATAGCCTCCCACCACAC[G>C]GGCAGCACTGACTTCAGAGAACGCATGCAGGATGTCATCCAGGGTGGTGGAGGAGAAGGC-3'
Protein context (NP_003729.3, residues 387-407): LHAFSEVSAA[Arg397Gly]VVGGYLLMLA

ClinVar aggregate classification (germline): Uncertain significance (1 of 4 stars; one submission).

Conditions:
Gorlin syndrome. Also called: Nevoid Basal Cell Carcinoma Syndrome; Basal cell nevus syndrome. Identifiers: Orphanet 377, MedGen C0004779, MONDO:0007187.

Submission:

Labcorp Genetics (formerly Invitae), Labcorp
Classification: Uncertain significance for Gorlin syndrome. Last evaluated: 2024-07-24. Review status: criteria provided, single submitter. Criteria: Invitae Variant Classification Sherloc (09022015). Collection method: clinical testing. Allele origin: germline.
Comment: This sequence change replaces arginine, which is basic and polar, with glycine, which is neutral and non-polar, at codon 397 of the PTCH2 protein (p.Arg397Gly). This variant is not present in population databases (gnomAD no frequency). This variant has not been reported in the literature in individuals affected with PTCH2-related conditions. Advanced modeling of protein sequence and biophysical properties (such as structural, functional, and spatial information, amino acid conservation, physicochemical variation, residue mobility, and thermodynamic stability) has been performed at Invitae for this missense variant, however the output from this modeling did not meet the statistical confidence thresholds required to predict the impact of this variant on PTCH2 protein function. In summary, the available evidence is currently insufficient to determine the role of this variant in disease. Therefore, it has been classified as a Variant of Uncertain Significance.